The following is an entry in ClinVar:

ClinVar aggregate classification (germline): Uncertain significance. Review status: criteria provided, multiple submitters, no conflicts (2 of 4 stars). 2 submissions from 2 submitters: Uncertain significance (2). Last evaluated 2024-09-04.

Conditions:
Bloom syndrome (BLM). Also called: Bloom-Torre-Machacek syndrome. Identifiers: Orphanet 125, MedGen C0005859, MONDO:0008876, OMIM 210900.
Hereditary cancer-predisposing syndrome. Also called: Tumor predisposition; Hereditary Cancer Syndrome; Hereditary neoplastic syndrome; Neoplastic Syndromes, Hereditary. Identifiers: Orphanet 140162, MedGen C0027672, MeSH D009386, MONDO:0015356.

Submissions (2):

Labcorp Genetics (formerly Invitae), Labcorp
Classification: Uncertain significance for Bloom syndrome. Last evaluated: 2024-09-04. Review status: criteria provided, single submitter. Criteria: Invitae Variant Classification Sherloc (09022015). Collection method: clinical testing. Allele origin: germline.
Comment: This sequence change falls in intron 17 of the BLM gene. It does not directly change the encoded amino acid sequence of the BLM protein. It affects a nucleotide within the consensus splice site. This variant is not present in population databases (gnomAD no frequency). This variant has not been reported in the literature in individuals affected with BLM-related conditions. ClinVar contains an entry for this variant (Variation ID: 1441698). Variants that disrupt the consensus splice site are a relatively common cause of aberrant splicing (PMID: 17576681, 9536098). Algorithms developed to predict the effect of sequence changes on RNA splicing suggest that this variant may disrupt the consensus splice site. In summary, the available evidence is currently insufficient to determine the role of this variant in disease. Therefore, it has been classified as a Variant of Uncertain Significance.

Ambry Genetics
Classification: Uncertain significance for Hereditary cancer-predisposing syndrome. Last evaluated: 2022-07-27. Review status: criteria provided, single submitter. Criteria: Ambry Variant Classification Scheme 2023. Collection method: clinical testing. Allele origin: germline.
Comment: The c.3358+5G>C intronic variant results from a G to C substitution 5 nucleotides after coding exon 16 in the BLM gene. This nucleotide position is highly conserved in available vertebrate species. In silico splice site analysis predicts that this alteration will not have any significant effect on splicing. Since supporting evidence is limited at this time, the clinical significance of this alteration remains unclear.

Literature cited by the submitters: PubMed 17576681 (cited by Labcorp Genetics (formerly Invitae), Labcorp); PubMed 9536098 (cited by Labcorp Genetics (formerly Invitae), Labcorp).

NM_000057.4(BLM):c.3358+5G>C

Gene: BLM (BLM RecQ like helicase; plus strand). Cytogenetic location: 15q26.1.
Variant type: single nucleotide variant.
Coding change: c.3358+5G>C on transcript NM_000057.4 (MANE Select); 5 bases into the intron after coding-DNA position 3358, G replaced by C.
Molecular consequence: intron variant.
Genome position (GRCh38, 1-based): chr15:90,798,342, G>C. VCF-style: chr15-90798342-G-C. GRCh37 (hg19) VCF-style: chr15-91341572-G-C.
Other names: c.3358+5G>C (NM_001287246.2, NM_001287247.2); c.2233+5G>C (NM_001287248.2).
Identifiers: ClinVar variation 1441698 (VCV001441698.8), dbSNP rs2151190518, ClinGen allele CA2573151442.